The following is an entry in ClinVar:

NM_005475.3(SH2B3):c.1222C>G (p.Gln408Glu)

Gene: SH2B3 (SH2B adaptor protein 3; plus strand). Cytogenetic location: 12q24.12.
Variant type: single nucleotide variant.
Coding change: c.1222C>G on transcript NM_005475.3 (MANE Select); coding-DNA position 1222, C replaced by G.
Protein change: p.Gln408Glu; replaces glutamine 408 with glutamic acid.
Molecular consequence: missense variant.
Genome position (GRCh38, 1-based): chr12:111,447,530, C>G. VCF-style: chr12-111447530-C-G. GRCh37 (hg19) VCF-style: chr12-111885334-C-G.
Other names: c.616C>G, p.Gln206Glu (NM_001291424.1); short protein forms Q206E, Q408E.
Identifiers: ClinVar variation 5029487 (VCV005029487.1).

ClinVar aggregate classification (germline): Uncertain significance (1 of 4 stars; one submission).

Conditions:
Inborn genetic diseases. Identifiers: MedGen C0950123, MeSH D030342.

Submission:

Ambry Genetics
Classification: Uncertain significance for Inborn genetic diseases. Last evaluated: 2026-07-26. Review status: criteria provided, single submitter. Criteria: Ambry Variant Classification Scheme 2023. Collection method: clinical testing. Allele origin: germline.
Comment: The p.Q408E variant (also known as c.1222C>G), located in coding exon 5 of the SH2B3 gene, results from a C to G substitution at nucleotide position 1222. The glutamine at codon 408 is replaced by glutamic acid, an amino acid with highly similar properties. This amino acid position is conserved. In addition, the in silico prediction for this alteration is inconclusive. Based on the available evidence, the clinical significance of this variant remains unclear.